The following is an entry in ClinVar:

ClinVar aggregate classification (germline): Uncertain significance (1 of 4 stars; one submission).

gnomAD v4.1: 8 of 1,605,376 alleles (0.0005%); highest among the groups gnomAD compares: Non-Finnish European, 0.00051%; no homozygotes.

Submission:

Ambry Genetics
Classification: Uncertain significance. Last evaluated: 2026-03-29. Review status: criteria provided, single submitter. Criteria: Ambry Variant Classification Scheme 2023. Collection method: clinical testing. Allele origin: germline.
Comment: The p.T118I variant (also known as c.353C>T), located in coding exon 4 of the STAP1 gene, results from a C to T substitution at nucleotide position 353. The threonine at codon 118 is replaced by isoleucine, an amino acid with similar properties. This amino acid position is conserved. In addition, the in silico prediction for this alteration is inconclusive. Based on the available evidence, the clinical significance of this variant remains unclear.

NM_012108.4(STAP1):c.353C>T (p.Thr118Ile)

Gene: STAP1 (signal transducing adaptor family member 1; plus strand). Cytogenetic location: 4q13.2.
Variant type: single nucleotide variant.
Coding change: c.353C>T on transcript NM_012108.4 (MANE Select); coding-DNA position 353, C replaced by T.
Protein change: p.Thr118Ile; replaces threonine 118 with isoleucine.
Molecular consequence: missense variant.
Genome position (GRCh38, 1-based): chr4:67,577,249, C>T. VCF-style: chr4-67577249-C-T. GRCh37 (hg19) VCF-style: chr4-68442967-C-T.
Other names: c.353C>T, p.Thr118Ile (NM_001317769.2); short protein forms T118I.
Identifiers: ClinVar variation 4865180 (VCV004865180.1).